The following is an entry in ClinVar:

NM_014014.5(SNRNP200):c.4780G>A (p.Glu1594Lys)

Gene: SNRNP200 (small nuclear ribonucleoprotein U5 subunit 200; minus strand). Cytogenetic location: 2q11.2.
Variant type: single nucleotide variant.
Coding change: c.4780G>A on transcript NM_014014.5 (MANE Select); coding-DNA position 4780, G replaced by A.
Protein change: p.Glu1594Lys; replaces glutamic acid 1594 with lysine.
Molecular consequence: missense variant.
Genome position (GRCh38, 1-based): chr2:96,283,336, C>T on the plus strand (G>A on the coding strand, the complement: SNRNP200 is on the minus strand). VCF-style: chr2-96283336-C-T. GRCh37 (hg19) VCF-style: chr2-96949074-C-T.
Other names: short protein forms E1594K.
Identifiers: ClinVar variation 1359742 (VCV001359742.9), dbSNP rs1169851633, ClinGen allele CA347663587.

ClinVar aggregate classification (germline): Uncertain significance. Review status: criteria provided, multiple submitters, no conflicts (2 of 4 stars). 2 submissions from 2 submitters: Uncertain significance (2). Last evaluated 2022-03-18.

Allele frequency attached by ClinVar (database versions not stated): gnomAD exomes 0.00001.
gnomAD v4.1: 9 of 1,614,162 alleles (0.00056%); highest among the groups gnomAD compares: East Asian, 0.0022%; no homozygotes.

Submissions (2):

GeneDx
Classification: Uncertain significance. Last evaluated: 2022-03-18. Review status: criteria provided, single submitter. Criteria: GeneDx Variant Classification Process June 2021. Collection method: clinical testing. Allele origin: germline. Affected: yes.
Comment: Not observed at significant frequency in large population cohorts (gnomAD); In silico analysis supports that this missense variant does not alter protein structure/function; Has not been previously published as pathogenic or benign to our knowledge

Labcorp Genetics (formerly Invitae), Labcorp
Classification: Uncertain significance. Last evaluated: 2021-06-07. Review status: criteria provided, single submitter. Criteria: Invitae Variant Classification Sherloc (09022015). Collection method: clinical testing. Allele origin: germline.
Comment: This variant is not present in population databases (ExAC no frequency). This sequence change replaces glutamic acid with lysine at codon 1594 of the SNRNP200 protein (p.Glu1594Lys). The glutamic acid residue is highly conserved and there is a small physicochemical difference between glutamic acid and lysine. This variant has not been reported in the literature in individuals with SNRNP200-related conditions. In summary, the available evidence is currently insufficient to determine the role of this variant in disease. Therefore, it has been classified as a Variant of Uncertain Significance. Algorithms developed to predict the effect of missense changes on protein structure and function are either unavailable or do not agree on the potential impact of this missense change (SIFT: "Deleterious"; PolyPhen-2: "Benign"; Align-GVGD: "Class C0").